The following is an entry in ClinVar:

NM_001844.5(COL2A1):c.4013G>A (p.Ser1338Asn)

Gene: COL2A1 (collagen type II alpha 1 chain; minus strand). Cytogenetic location: 12q13.11.
Variant type: single nucleotide variant.
Coding change: c.4013G>A on transcript NM_001844.5 (MANE Select); coding-DNA position 4013, G replaced by A.
Protein change: p.Ser1338Asn; replaces serine 1338 with asparagine.
Molecular consequence: missense variant.
Genome position (GRCh38, 1-based): chr12:47,974,736, C>T on the plus strand (G>A on the coding strand, the complement: COL2A1 is on the minus strand). VCF-style: chr12-47974736-C-T. GRCh37 (hg19) VCF-style: chr12-48368519-C-T.
Other names: c.3806G>A, p.Ser1269Asn (NM_033150.3); short protein forms S1269N, S1338N.
Identifiers: ClinVar variation 1064732 (VCV001064732.5), dbSNP rs2136508302, ClinGen allele CA384535631.

ClinVar aggregate classification (germline): Uncertain significance. Review status: criteria provided, multiple submitters, no conflicts (2 of 4 stars). 2 submissions from 2 submitters: Uncertain significance (2). Last evaluated 2023-10-04.

Conditions:
MASS syndrome (OCTD). Also called: MASS PHENOTYPE; OVERLAP CONNECTIVE TISSUE DISEASE. Identifiers: MedGen C1858556, MONDO:0011431, OMIM 604308.

Allele frequency attached by ClinVar (database versions not stated): gnomAD exomes below 0.00001.
gnomAD v4.1: 3 of 1,614,196 alleles (0.00019%); highest among the groups gnomAD compares: Non-Finnish European, 0.00025%; no homozygotes.

Submissions (2):

Labcorp Genetics (formerly Invitae), Labcorp
Classification: Uncertain significance. Last evaluated: 2023-10-04. Review status: criteria provided, single submitter. Criteria: Invitae Variant Classification Sherloc (09022015). Collection method: clinical testing. Allele origin: germline.
Comment: This sequence change replaces serine, which is neutral and polar, with asparagine, which is neutral and polar, at codon 1338 of the COL2A1 protein (p.Ser1338Asn). This variant is not present in population databases (gnomAD no frequency). This missense change has been observed in individual(s) with clinical features of autosomal dominant COL2A1-related conditions (PMID: 35296718). ClinVar contains an entry for this variant (Variation ID: 1064732). Advanced modeling of protein sequence and biophysical properties (such as structural, functional, and spatial information, amino acid conservation, physicochemical variation, residue mobility, and thermodynamic stability) performed at Invitae indicates that this missense variant is not expected to disrupt COL2A1 protein function. In summary, the available evidence is currently insufficient to determine the role of this variant in disease. Therefore, it has been classified as a Variant of Uncertain Significance.

Institute of Human Genetics, University Medical Center Hamburg-Eppendorf
Classification: Uncertain significance for MASS syndrome. Last evaluated: 2021-04-16. Review status: criteria provided, single submitter. Criteria: ACMG Guidelines, 2015. Collection method: clinical testing. Allele origin: unknown. Affected: yes. Observed: 1 variant allele.
Comment: First report of a MASS phenotype associated with COL2A1 variants.

Literature cited by the submitters: PubMed 35296718 (cited by Labcorp Genetics (formerly Invitae), Labcorp).